The following is an entry in ClinVar:

NM_000059.4(BRCA2):c.2330dup (p.Asp777fs)

Gene: BRCA2 (BRCA2 DNA repair associated; plus strand). Cytogenetic location: 13q13.1.
Variant type: Duplication.
Coding change: c.2330dup on transcript NM_000059.4 (MANE Select); coding-DNA position 2330, one base duplicated (A; older notation c.2330dupA).
Protein change: p.Asp777fs; shifts the reading frame from aspartic acid 777.
Molecular consequence: frameshift variant.
Genome position (GRCh38, 1-based): chr13:32,336,685, A duplicated. VCF-style (leftmost placement, unchanged base first): chr13-32336684-G-GA. GRCh37 (hg19) VCF-style: chr13-32910821-G-GA.
Other names: 2558insA; c.2330dupA (NM_000059.3); short protein forms D777fs.
Identifiers: ClinVar variation 91775 (VCV000091775.48), dbSNP rs80359328, ClinGen allele CA014965.

ClinVar aggregate classification (germline): Pathogenic. Review status: reviewed by expert panel (3 of 4 stars). 27 submissions from 27 submitters: Pathogenic (1). 26 of the submissions do not count toward it. Last evaluated 2016-09-08.

Conditions:
Inherited breast cancer and ovarian cancer.
BRCA2-related cancer predisposition. Identifiers: MedGen CN377758, MONDO:0700269.
Breast and/or ovarian cancer. Identifiers: MedGen CN221562.
Hereditary cancer-predisposing syndrome. Also called: Hereditary neoplastic syndrome; Tumor predisposition; Hereditary Cancer Syndrome; Neoplastic Syndromes, Hereditary. Identifiers: Orphanet 140162, MedGen C0027672, MeSH D009386, MONDO:0015356.
Hereditary breast ovarian cancer syndrome. Also called: Hereditary breast and ovarian cancer; BRCA1- and BRCA2-Associated Hereditary Breast and Ovarian Cancer; Hereditary breast and ovarian cancer syndrome; Hereditary breast and ovarian cancer syndrome (HBOC); Breast and ovarian cancer; Hereditary breast and/or ovarian cancer syndrome. Identifiers: Orphanet 145, MedGen C0677776, MeSH D061325, MONDO:0003582. Disease mechanism: loss of function.
Prostate cancer. Also called: Malignant tumor of prostate. Identifiers: Orphanet 1331, MedGen C0376358, MONDO:0008315, HP:0012125.
Breast-ovarian cancer, familial, susceptibility to, 2 (BROVCA2). Also called: BRCA2 Hereditary Breast and Ovarian Cancer. Identifiers: Orphanet 145, MedGen C2675520, MONDO:0012933, OMIM 612555. Disease mechanism: loss of function.
Familial cancer of breast. Also called: hereditary breast carcinoma; BREAST CANCER, FAMILIAL; Hereditary breast cancer. Identifiers: Orphanet 227535, MedGen C0346153, MONDO:0016419, OMIM 114480. Disease mechanism: loss of function.
Malignant tumor of breast. Also called: Malignant breast neoplasm; Cancer breast. Identifiers: MedGen C0006142, MONDO:0007254. Disease mechanism: loss of function.

Allele frequency attached by ClinVar (database versions not stated): gnomAD exomes below 0.00001 and 0.00002; TOPMed below 0.00001.

Submissions 1 to 8 of 27:

Evidence-based Network for the Interpretation of Germline Mutant Alleles (ENIGMA)
Classification: Pathogenic for Breast-ovarian cancer, familial, susceptibility to, 2. Last evaluated: 2016-09-08. Review status: reviewed by expert panel. Criteria: ENIGMA BRCA1/2 Classification Criteria (2015). Collection method: curation. Allele origin: germline.
Comment: Variant allele predicted to encode a truncated non-functional protein.

Clinical Genetics Laboratory, Skane University Hospital Lund
Classification: Pathogenic for Hereditary breast ovarian cancer syndrome. Last evaluated: 2026-11-04. Review status: criteria provided, single submitter. Criteria: ACMG Guidelines, 2015. Collection method: clinical testing. Allele origin: germline. Affected: yes. Not counted in ClinVar's aggregate classification.
Comment: BRCA2 (NM_000059.4) c.2330dup, p.(Asp777Glufs*11) involves a duplication of a base pair in exon 11 (out of 27), which leads to a frameshift and a premature stop codon, resulting in a truncated protein or the loss of protein expression from the allele. BRCA2 c.2330dup has previously been observed at a low allele frequency in the general population and is classified as pathogenic in the ClinVar database by the expert network ENIGMA.

Labcorp Genetics (formerly Invitae), Labcorp
Classification: Pathogenic for Hereditary breast ovarian cancer syndrome. Last evaluated: 2026-01-18. Review status: criteria provided, single submitter. Criteria: Invitae Variant Classification Sherloc (09022015). Collection method: clinical testing. Allele origin: germline. Not counted in ClinVar's aggregate classification.
Comment: This sequence change creates a premature translational stop signal (p.Asp777Glufs*11) in the BRCA2 gene. It is expected to result in an absent or disrupted protein product. Loss-of-function variants in BRCA2 are known to be pathogenic (PMID: 20104584). This variant is present in population databases (rs80359328, gnomAD 0.0009%). This premature translational stop signal has been observed in individual(s) with prostate cancer (PMID: 11812938, 12414830, 12474142, 24728189). This variant is also known as 2558insA. ClinVar contains an entry for this variant (Variation ID: 91775). For these reasons, this variant has been classified as Pathogenic.

Molecular Diagnostics Laboratory, Catalan Institute of Oncology
Classification: Pathogenic for Hereditary cancer-predisposing syndrome. Last evaluated: 2025-08-20. Review status: criteria provided, single submitter. Criteria: ClinGen BRCA1BRCA2 ACMG Specifications BRCA2 V1.0.0. Collection method: clinical testing. Allele origin: germline. Not counted in ClinVar's aggregate classification.
Comment: PVS1, PM5_PTC_Strong c.2330dup, located in exon 11 of the BRCA2 gene, consists in the duplication of 1 nucleotide, causing a translational frameshift with a predicted alternate stop codon, p.(Asp777Glufs*11). This alteration is expected to result in loss of function by premature protein truncation and nonsense-mediated mRNA decay (PVS1, PM5_PTC_Strong). No effect is predicted on splicing by SpliceAI. This variant is found in 1/267860 alleles at a frequency of 0.0004% in the gnomAD v2.1.1 database, non-cancer dataset. To our knowledge, neither relevant clinical data nor well-established functional studies have been reported for this variant. In addition, it was also identified in the following databases: BRCA Exchange (Pathogenic: Variant allele predicted to encode a truncated non-functional protein), ClinVar (24x pathogenic) and LOVD (3x uncertain significance, 6x pathogenic). Based on the currently available evidence, c.2330dup is classified as a pathogenic variant according to ClinGen-BRCA2 Guidelines v.1.0.0.

Genomics and Molecular Medicine Service, East Genomic Laboratory Hub, NHS Genomic Medicine Service
Classification: Pathogenic for Inherited breast cancer and ovarian cancer. Last evaluated: 2024-11-28. Review status: criteria provided, single submitter. Criteria: ACGS Best Practice Guidelines for Variant Classification in Rare Disease 2020. Collection method: clinical testing. Allele origin: germline. Affected: yes. Not counted in ClinVar's aggregate classification.
Comment: PVS1,PM5_Strong

Color Diagnostics, LLC DBA Color Health
Classification: Pathogenic for Hereditary cancer-predisposing syndrome. Last evaluated: 2024-09-23. Review status: criteria provided, single submitter. Criteria: ACMG Guidelines, 2015. Collection method: clinical testing. Allele origin: germline. Not counted in ClinVar's aggregate classification.
Comment: This variant inserts 1 nucleotide in exon 11 of the BRCA2 gene, creating a frameshift and premature translation stop signal. This variant is expected to result in an absent or non-functional protein product. This variant has been reported in individuals affected with breast, ovarian, pancreatic, and prostate cancer (PMID: 11812938, 15382066, 20736950, 22711857, 24728189, 27406733, 29337092, 29506128), and in a breast cancer case-control study in 1/60466 cases and 3/53461 unaffected controls (PMID: 33471991; Leiden Open Variation Database DB-ID BRCA2_002354). A multifactorial analysis has reported a likelihood ratio for pathogenicity based on personal and family history of 4.958 from log(LR)=0.695268989 for 7 carriers (PMID: 31853058). This variant has also been reported in two sibling affected with Fanconi anemia, in trans with a second BRCA2 variant (PMID: 32354836). This variant has been identified in 1/250952 chromosomes in the general population by the Genome Aggregation Database (gnomAD). Loss of BRCA2 function is a known mechanism of disease. Based on the available evidence, this variant is classified as Pathogenic.

Quest Diagnostics Nichols Institute San Juan Capistrano
Classification: Pathogenic. Last evaluated: 2024-08-28. Review status: criteria provided, single submitter. Criteria: Quest Diagnostics criteria. Collection method: clinical testing. Allele origin: unknown. Not counted in ClinVar's aggregate classification.
Comment: The BRCA2 c.2330dup (p.Asp777Glufs*11) variant alters the translational reading frame of the BRCA2 mRNA and causes the premature termination of BRCA2 protein synthesis. This variant has been reported in the published literature in individuals with breast cancer (PMID: 33758026 (2022), 29337092 (2018)), ovarian cancer (PMID: 36169650 (2022), 28888541 (2017), 27406733 (2016)), and prostate cancer (PMID: 31948886 (2020), 20736950 (2010), 12474142 (2003)). This variant has also been observed in an individual with Fanconi Anemia (PMID: 36721989 (2023)). The frequency of this variant in the general population, 0.000004 (1/250952 chromosomes (Genome Aggregation Database)), is consistent with pathogenicity. Based on the available information, this variant is classified as pathogenic.

Ambry Genetics
Classification: Pathogenic for Hereditary cancer-predisposing syndrome. Last evaluated: 2024-07-08. Review status: criteria provided, single submitter. Criteria: Ambry Variant Classification Scheme 2023. Collection method: clinical testing. Allele origin: germline. Not counted in ClinVar's aggregate classification.
Comment: The c.2330dupA pathogenic mutation, located in coding exon 10 of the BRCA2 gene, results from a duplication of A at nucleotide position 2330, causing a translational frameshift with a predicted alternate stop codon (p.D777Efs*11). This mutation has been reported in multiple individuals and families affected with hereditary breast and ovarian cancer (Agoff SN et al. Am. J. Surg. Pathol., 2002 Feb;26:171-8; Al-Saffar M et al. J. Med. Genet., 2002 Nov;39:e68; Oros KK et al. Int. J. Cancer, 2004 Nov;112:411-9; Claus EB et al. JAMA, 2005 Feb;293:964-9; Alsop K et al. J Clin Oncol, 2012 Jul;30:2654-63; George A et al. Sci Rep, 2016 07;6:29506; Copson ER et al. Lancet Oncol, 2018 02;19:169-180; Lowery MA et al. J Natl Cancer Inst, 2018 10;110:1067-1074; Abe T et al. J Clin Oncol, 2019 05;37:1070-1080; Dorling et al. N Engl J Med. 2021 02;384:428-439). This mutation has also been identified in multiple patients with prostate cancer (Edwards SM et al. Am. J. Hum. Genet., 2003 Jan;72:1-12; Edwards SM et al. Br J Cancer, 2010 Sep;103:918-24; Castro E et al. J Clin Oncol, 2013 May;31:1748-57; Wu Y et al. Eur Urol Oncol, 2020 04;3:224-230). This mutation has been identified in two siblings with Fanconi Anemia confirmed in trans with a different BRCA2 alteration (Rickman KA et al. Genes Dev, 2020 06;34:832-846). Of note, this alteration is also designated as 2558insA in published literature. In addition to the clinical data presented in the literature, this alteration is expected to result in loss of function by premature protein truncation or nonsense-mediated mRNA decay. As such, this alteration is interpreted as a disease-causing mutation.